The following is an entry in ClinVar:

NM_002691.4(POLD1):c.2636C>T (p.Ser879Phe)

Gene: POLD1 (DNA polymerase delta 1, catalytic subunit; plus strand). Cytogenetic location: 19q13.33.
Variant type: single nucleotide variant.
Coding change: c.2636C>T on transcript NM_002691.4 (MANE Select); coding-DNA position 2636, C replaced by T.
Protein change: p.Ser879Phe; replaces serine 879 with phenylalanine.
Molecular consequence: missense variant. On other transcripts: non-coding transcript variant (1).
Genome position (GRCh38, 1-based): chr19:50,415,509, C>T. VCF-style: chr19-50415509-C-T. GRCh37 (hg19) VCF-style: chr19-50918766-C-T.
Other names: c.2636C>T, p.Ser879Phe (NM_001256849.1); c.2714C>T, p.Ser905Phe (NM_001308632.1); short protein forms S879F, S905F.
Identifiers: ClinVar variation 1717211 (VCV001717211.5), dbSNP rs2039247248, ClinGen allele CA406985513.

ClinVar aggregate classification (germline): Uncertain significance (1 of 4 stars; one submission).

Conditions:
POLD1-related polyposis and colorectal cancer syndrome (CRCS10). Also called: COLORECTAL CANCER, SUSCEPTIBILITY TO, ON CHROMOSOME 19q; Colorectal cancer 10; Colorectal cancer, susceptibility to, 10. Identifiers: Orphanet 220460, MedGen C2675481, MONDO:0012953, OMIM 612591.

Submission:

Labcorp Genetics (formerly Invitae), Labcorp
Classification: Uncertain significance for POLD1-related polyposis and colorectal cancer syndrome. Last evaluated: 2024-05-20. Review status: criteria provided, single submitter. Criteria: Invitae Variant Classification Sherloc (09022015). Collection method: clinical testing. Allele origin: germline.
Comment: This sequence change replaces serine, which is neutral and polar, with phenylalanine, which is neutral and non-polar, at codon 879 of the POLD1 protein (p.Ser879Phe). This variant is not present in population databases (gnomAD no frequency). This variant has not been reported in the literature in individuals affected with POLD1-related conditions. ClinVar contains an entry for this variant (Variation ID: 1717211). Advanced modeling of protein sequence and biophysical properties (such as structural, functional, and spatial information, amino acid conservation, physicochemical variation, residue mobility, and thermodynamic stability) performed at Invitae indicates that this missense variant is expected to disrupt POLD1 protein function with a positive predictive value of 80%. In summary, the available evidence is currently insufficient to determine the role of this variant in disease. Therefore, it has been classified as a Variant of Uncertain Significance.